The following is an entry in ClinVar:

ClinVar aggregate classification (germline): Uncertain significance (1 of 4 stars; one submission).

Conditions:
Ataxia-telangiectasia syndrome (AT). Also called: Ataxia-telangiectasia, complementation group E; Cerebello-oculocutaneous telangiectasia; Immunodeficiency with ataxia telangiectasia; ATAXIA-TELANGIECTASIA, COMPLEMENTATION GROUP A; ATAXIA-TELANGIECTASIA, FRESNO VARIANT; Ataxia-telangiectasia, complementation group D. Identifiers: Orphanet 100, MedGen C0004135, MONDO:0008840, OMIM 208900.

Submission:

Labcorp Genetics (formerly Invitae), Labcorp
Classification: Uncertain significance for Ataxia-telangiectasia syndrome. Last evaluated: 2021-03-26. Review status: criteria provided, single submitter. Criteria: Invitae Variant Classification Sherloc (09022015). Collection method: clinical testing. Allele origin: germline.
Comment: In summary, the available evidence is currently insufficient to determine the role of this variant in disease. Therefore, it has been classified as a Variant of Uncertain Significance. Advanced modeling of protein sequence and biophysical properties (such as structural, functional, and spatial information, amino acid conservation, physicochemical variation, residue mobility, and thermodynamic stability) performed at Invitae indicates that this missense variant is not expected to disrupt ATM protein function. This variant has not been reported in the literature in individuals with ATM-related conditions. This variant is not present in population databases (ExAC no frequency). This sequence change replaces leucine with proline at codon 1176 of the ATM protein (p.Leu1176Pro). The leucine residue is moderately conserved and there is a moderate physicochemical difference between leucine and proline.

NM_000051.4(ATM):c.3527T>C (p.Leu1176Pro)

Gene: ATM (ATM serine/threonine kinase; plus strand). Cytogenetic location: 11q22.3.
Variant type: single nucleotide variant.
Coding change: c.3527T>C on transcript NM_000051.4 (MANE Select); coding-DNA position 3527, T replaced by C.
Protein change: p.Leu1176Pro; replaces leucine 1176 with proline.
Molecular consequence: missense variant.
Genome position (GRCh38, 1-based): chr11:108,281,119, T>C. VCF-style: chr11-108281119-T-C. GRCh37 (hg19) VCF-style: chr11-108151846-T-C.
Other names: c.3527T>C, p.Leu1176Pro (NM_001351834.2); short protein forms L1176P.
Identifiers: ClinVar variation 1520224 (VCV001520224.8), dbSNP rs587782762, ClinGen allele CA382520117.
Genomic context (GRCh38, chr11:108,281,119, plus strand): 5'-CGTTGATAGCTGTGGTTTTATCCTGTAGCCCTATCTGCGAAAAACAGGCTTTGTTTGCCC[T>C]GTGTAAATCTGTGAAAGAGAATGGATTAGAACCTCACCTTGTGAAAAAGGTATATATGGA-3'
Protein context (NP_000042.3, residues 1166-1186): PICEKQALFA[Leu1176Pro]CKSVKENGLE